The following is an entry in ClinVar:

ClinVar aggregate classification (germline): Benign/Likely benign. Review status: criteria provided, multiple submitters, no conflicts (2 of 4 stars). 3 submissions from 3 submitters: Benign (1); Likely benign (2). Last evaluated 2025-03-11.

Conditions:
Camptomelic dysplasia (CMPD). Also called: Campomelic Dysplasia; CMPD1/SRA1. Identifiers: Orphanet 140, MedGen C1861922, MONDO:0007251, OMIM 114290.

Allele frequency attached by ClinVar (database versions not stated): gnomAD exomes 0.00005 and 0.00011; gnomAD 0.00007 and 0.00008; ESP Exome Variant Server 0.00008; TOPMed 0.00008; ExAC 0.00010.
gnomAD v4.1: 84 of 1,613,954 alleles (0.0052%); highest among the groups gnomAD compares: African/African-American, 0.0013%; no homozygotes.

Submissions (3):

Labcorp Genetics (formerly Invitae), Labcorp
Classification: Benign for Camptomelic dysplasia. Last evaluated: 2025-03-11. Review status: criteria provided, single submitter. Criteria: Invitae Variant Classification Sherloc (09022015). Collection method: clinical testing. Allele origin: germline.

CeGaT Center for Human Genetics Tuebingen
Classification: Likely benign. Last evaluated: 2024-05-01. Review status: criteria provided, single submitter. Criteria: CeGaT Center For Human Genetics Tuebingen Variant Classification Criteria Version 2. Collection method: clinical testing. Allele origin: germline. Affected: yes. Observed: 1 variant allele.
Comment: SOX9: BP4, BP7

GeneDx
Classification: Likely benign. Last evaluated: 2016-06-24. Review status: criteria provided, single submitter. Criteria: GeneDx Variant Classification (06012015). Collection method: clinical testing. Allele origin: germline. Affected: yes.
Comment: This variant is considered likely benign or benign based on one or more of the following criteria: it is a conservative change, it occurs at a poorly conserved position in the protein, it is predicted to be benign by multiple in silico algorithms, and/or has population frequency not consistent with disease.

NM_000346.4(SOX9):c.480G>A (p.Arg160=)

Gene: SOX9 (SRY-box transcription factor 9; plus strand). Cytogenetic location: 17q24.3.
Variant type: single nucleotide variant.
Coding change: c.480G>A on transcript NM_000346.4 (MANE Select); coding-DNA position 480, G replaced by A.
Protein change: p.Arg160=; no amino-acid change (arginine 160 retained).
Molecular consequence: synonymous variant.
Genome position (GRCh38, 1-based): chr17:72,122,767, G>A. VCF-style: chr17-72122767-G-A. GRCh37 (hg19) VCF-style: chr17-70118908-G-A.
Identifiers: ClinVar variation 387272 (VCV000387272.25), dbSNP rs370267426, ClinGen allele CA8738930.
Genomic context (GRCh38, chr17:72,122,767, plus strand): 5'-CGCCCCGAGCAGACTTCTGAACGAGAGCGAGAAGCGGCCCTTCGTGGAGGAGGCGGAGCG[G>A]CTGCGCGTGCAGCACAAGAAGGACCACCCGGATTACAAGTACCAGCCGCGGCGGAGGAAG-3'
Protein context (NP_000337.1, residues 150-170): EKRPFVEEAE[Arg160=]LRVQHKKDHP